The following is an entry in ClinVar:

ClinVar aggregate classification (germline): Uncertain significance (1 of 4 stars; one submission).

gnomAD v4.1: 5 of 1,614,204 alleles (0.00031%); highest among the groups gnomAD compares: East Asian, 0.0022%; no homozygotes.

Submission:

Ambry Genetics
Classification: Uncertain significance. Last evaluated: 2026-08-23. Review status: criteria provided, single submitter. Criteria: Ambry Variant Classification Scheme 2023. Collection method: clinical testing. Allele origin: germline.
Comment: The c.1850C>T (p.S617L) alteration is located in exon 11 (coding exon 11) of the FBXO18 gene. This alteration results from a C to T substitution at nucleotide position 1850, causing the serine (S) at amino acid position 617 to be replaced by a leucine (L). Based on data from gnomAD, the T allele has an overall frequency of <0.001% (1/251494) total alleles studied. The highest observed frequency was 0.005% (1/18394) of East Asian alleles. Based on insufficient or conflicting evidence, the clinical significance of this alteration remains unclear.

NM_178150.3(FBH1):c.1697C>T (p.Ser566Leu)

Gene: FBH1 (F-box DNA helicase 1; plus strand). Cytogenetic location: 10p15.1.
Variant type: single nucleotide variant.
Coding change: c.1697C>T on transcript NM_178150.3 (MANE Select); coding-DNA position 1697, C replaced by T.
Protein change: p.Ser566Leu; replaces serine 566 with leucine.
Molecular consequence: missense variant.
Genome position (GRCh38, 1-based): chr10:5,916,365, C>T. VCF-style: chr10-5916365-C-T. GRCh37 (hg19) VCF-style: chr10-5958328-C-T.
Other names: c.1475C>T, p.Ser492Leu (NM_001258452.2, NM_001258453.2); c.1850C>T, p.Ser617Leu (NM_032807.5); short protein forms S617L, S492L, S566L.
Identifiers: ClinVar variation 5021564 (VCV005021564.1).